The following is an entry in ClinVar:

ClinVar aggregate classification (germline): Likely benign. Review status: criteria provided, single submitter (1 of 4 stars). 2 submissions from 2 submitters: Likely benign (1). 1 of the submissions does not count toward it. Last evaluated 2024-12-15.

Conditions:
STAT3-related disorder. Also called: STAT3-related condition.
Hyper-IgE recurrent infection syndrome 1, autosomal dominant. Also called: JOB SYNDROME; Job's Syndrome; STAT3 Hyper IgE Syndrome; Hyper-IgE recurrent infection syndrome 1; HYPER-IgE SYNDROME 1, AUTOSOMAL DOMINANT, WITH RECURRENT INFECTIONS. Identifiers: Orphanet 2314, MedGen C2936739, MONDO:0007818, OMIM 147060.
STAT3 gain of function. Identifiers: MedGen C4288261.

Allele frequency attached by ClinVar (database versions not stated): gnomAD exomes below 0.00001; ExAC 0.00001; gnomAD 0.00001; TOPMed 0.00001.
gnomAD v4.1: 9 of 1,614,014 alleles (0.00056%); highest among the groups gnomAD compares: Admixed American, 0.0033%; no homozygotes.

Submissions (2):

Labcorp Genetics (formerly Invitae), Labcorp
Classification: Likely benign for STAT3 gain of function; Hyper-IgE recurrent infection syndrome 1, autosomal dominant. Last evaluated: 2024-12-15. Review status: criteria provided, single submitter. Criteria: Invitae Variant Classification Sherloc (09022015). Collection method: clinical testing. Allele origin: germline.

PreventionGenetics, part of Exact Sciences
Classification: Uncertain significance for STAT3-related condition. Last evaluated: 2024-06-19. Review status: no assertion criteria provided. Collection method: clinical testing. Allele origin: germline. Not counted in ClinVar's aggregate classification.
Comment: The STAT3 c.1855G>A variant is predicted to result in the amino acid substitution p.Val619Ile. To our knowledge, this variant has not been reported in the literature. This variant is reported in 0.0029% of alleles in individuals of Latino descent in gnomAD. At this time, the clinical significance of this variant is uncertain due to the absence of conclusive functional and genetic evidence.

NM_139276.3(STAT3):c.1855G>A (p.Val619Ile)

Gene: STAT3 (signal transducer and activator of transcription 3; minus strand). Cytogenetic location: 17q21.2.
Variant type: single nucleotide variant.
Coding change: c.1855G>A on transcript NM_139276.3 (MANE Select); coding-DNA position 1855, G replaced by A.
Protein change: p.Val619Ile; replaces valine 619 with isoleucine.
Molecular consequence: missense variant.
Genome position (GRCh38, 1-based): chr17:42,323,037, C>T on the plus strand (G>A on the coding strand, the complement: STAT3 is on the minus strand). VCF-style: chr17-42323037-C-T. GRCh37 (hg19) VCF-style: chr17-40475055-C-T.
Other names: c.1855G>A, p.Val619Ile (NM_001369517.1, NM_001369518.1, NM_001369519.1 and 9 more transcripts); c.1771G>A, p.Val591Ile (NM_001384984.1); c.1777G>A, p.Val593Ile (NM_001384985.1); c.1870G>A, p.Val624Ile (NM_001384986.1, NM_001384990.1); c.1834G>A, p.Val612Ile (NM_001384987.1); c.1759G>A, p.Val587Ile (NM_001384989.1); c.1828G>A, p.Val610Ile (NM_001384991.1); c.1795G>A, p.Val599Ile (NM_001384992.1); short protein forms V599I, V610I, V587I, V619I, V624I, V591I, V593I, V612I.
Identifiers: ClinVar variation 2932164 (VCV002932164.4), dbSNP rs773386939, ClinGen allele CA8575207.